The following is an entry in ClinVar:

ClinVar aggregate classification (germline): Uncertain significance (1 of 4 stars; one submission).

Submission:

Labcorp Genetics (formerly Invitae), Labcorp
Classification: Uncertain significance. Last evaluated: 2022-07-19. Review status: criteria provided, single submitter. Criteria: Invitae Variant Classification Sherloc (09022015). Collection method: clinical testing. Allele origin: germline.
Comment: ClinVar contains an entry for this variant (Variation ID: 956292). This variant has not been reported in the literature in individuals affected with ACO2-related conditions. This variant is not present in population databases (gnomAD no frequency). Algorithms developed to predict the effect of missense changes on protein structure and function (SIFT, PolyPhen-2, Align-GVGD) all suggest that this variant is likely to be disruptive. This sequence change replaces threonine, which is neutral and polar, with isoleucine, which is neutral and non-polar, at codon 278 of the ACO2 protein (p.Thr278Ile). In summary, the available evidence is currently insufficient to determine the role of this variant in disease. Therefore, it has been classified as a Variant of Uncertain Significance.

NM_001098.3(ACO2):c.833C>T (p.Thr278Ile)

Gene: ACO2 (aconitase 2; plus strand). Cytogenetic location: 22q13.2.
Variant type: single nucleotide variant.
Coding change: c.833C>T on transcript NM_001098.3 (MANE Select); coding-DNA position 833, C replaced by T.
Protein change: p.Thr278Ile; replaces threonine 278 with isoleucine.
Molecular consequence: missense variant.
Genome position (GRCh38, 1-based): chr22:41,515,915, C>T. VCF-style: chr22-41515915-C-T. GRCh37 (hg19) VCF-style: chr22-41911919-C-T.
Other names: short protein forms T278I.
Identifiers: ClinVar variation 956292 (VCV000956292.9), dbSNP rs1264047106, ClinGen allele CA411720903.